The following is an entry in ClinVar:

NM_033056.4(PCDH15):c.5599A>T (p.Thr1867Ser)

Gene: PCDH15 (protocadherin related 15; minus strand). Cytogenetic location: 10q21.1.
Variant type: single nucleotide variant.
Coding change: c.5599A>T on transcript NM_033056.4 (MANE Plus Clinical); coding-DNA position 5599, A replaced by T.
Protein change: p.Thr1867Ser; replaces threonine 1867 with serine.
Molecular consequence: missense variant. On other transcripts: intron variant (8).
Genome position (GRCh38, 1-based): chr10:53,822,127, T>A on the plus strand (A>T on the coding strand, the complement: PCDH15 is on the minus strand). VCF-style: chr10-53822127-T-A. GRCh37 (hg19) VCF-style: chr10-55581887-T-A.
Other names: c.5620A>T, p.Thr1874Ser (NM_001142763.2); c.5605A>T, p.Thr1869Ser (NM_001142764.2); c.5392A>T, p.Thr1798Ser (NM_001142765.2); c.5590A>T, p.Thr1864Ser (NM_001142766.2); c.5479A>T, p.Thr1827Ser (NM_001142767.2); c.5539A>T, p.Thr1847Ser (NM_001142768.2); c.5530A>T, p.Thr1844Ser (NM_001142773.2); c.5533A>T, p.Thr1845Ser (NM_001354404.2); and 7 more; short protein forms T1844S, T1847S, T1874S, T1798S, T1867S, T1869S, T1827S, T1845S.
Identifiers: ClinVar variation 1945323 (VCV001945323.2), dbSNP rs1420803454, ClinGen allele CA376524624.

ClinVar aggregate classification (germline): Uncertain significance (1 of 4 stars; one submission).

gnomAD v4.1: 1 of 1,613,330 alleles (0.000062%); highest among the groups gnomAD compares: Admixed American, 0.0017%; no homozygotes.

Submission:

Labcorp Genetics (formerly Invitae), Labcorp
Classification: Uncertain significance. Last evaluated: 2022-03-12. Review status: criteria provided, single submitter. Criteria: Invitae Variant Classification Sherloc (09022015). Collection method: clinical testing. Allele origin: germline.
Comment: This sequence change replaces threonine, which is neutral and polar, with serine, which is neutral and polar, at codon 1867 of the PCDH15 protein (p.Thr1867Ser). This variant is present in population databases (no rsID available, gnomAD 0.003%). This variant has not been reported in the literature in individuals affected with PCDH15-related conditions. Algorithms developed to predict the effect of missense changes on protein structure and function output the following: SIFT: "Tolerated"; PolyPhen-2: "Not Available"; Align-GVGD: "Class C0". The serine amino acid residue is found in multiple mammalian species, which suggests that this missense change does not adversely affect protein function. In summary, the available evidence is currently insufficient to determine the role of this variant in disease. Therefore, it has been classified as a Variant of Uncertain Significance.